The following is an entry in ClinVar:

ClinVar aggregate classification (germline): Uncertain significance. Review status: criteria provided, multiple submitters, no conflicts (2 of 4 stars). 2 submissions from 2 submitters: Uncertain significance (2). Last evaluated 2021-06-17.

Conditions:
Deficiency of ferroxidase (ACEP). Also called: Aceruloplasminemia; Ceruloplasmin deficiency; Familial apoceruloplasmin deficiency; Hereditary ceruloplasmin deficiency; Deficiency of ceruloplasmin; NEURODEGENERATION WITH BRAIN IRON ACCUMULATION 10. Identifiers: Orphanet 48818, MedGen C0878682, MONDO:0011426, OMIM 604290, HP:0025498.

Allele frequency attached by ClinVar (database versions not stated): gnomAD 0.00001; gnomAD exomes 0.00001.
gnomAD v4.1: 8 of 1,611,998 alleles (0.0005%); highest among the groups gnomAD compares: Non-Finnish European, 0.00068%; no homozygotes.

Submissions (2):

Labcorp Genetics (formerly Invitae), Labcorp
Classification: Uncertain significance for Deficiency of ferroxidase. Last evaluated: 2021-06-17. Review status: criteria provided, single submitter. Criteria: Invitae Variant Classification Sherloc (09022015). Collection method: clinical testing. Allele origin: germline.
Comment: In summary, the available evidence is currently insufficient to determine the role of this variant in disease. Therefore, it has been classified as a Variant of Uncertain Significance. Algorithms developed to predict the effect of missense changes on protein structure and function (SIFT, PolyPhen-2, Align-GVGD) all suggest that this variant is likely to be tolerated, but these predictions have not been confirmed by published functional studies and their clinical significance is uncertain. This variant has not been reported in the literature in individuals with CP-related conditions. ClinVar contains an entry for this variant (Variation ID: 343790). This variant is not present in population databases (ExAC no frequency). This sequence change replaces lysine with arginine at codon 42 of the CP protein (p.Lys42Arg). The lysine residue is moderately conserved and there is a small physicochemical difference between lysine and arginine.

Illumina Laboratory Services, Illumina
Classification: Uncertain significance for Deficiency of ferroxidase. Last evaluated: 2018-01-13. Review status: criteria provided, single submitter. Criteria: ICSL Variant Classification Criteria 13 December 2019. Collection method: clinical testing. Allele origin: germline.

NM_000096.4(CP):c.125A>G (p.Lys42Arg)

Gene: CP (ceruloplasmin; minus strand). Cytogenetic location: 3q25.1.
Variant type: single nucleotide variant.
Coding change: c.125A>G on transcript NM_000096.4 (MANE Select); coding-DNA position 125, A replaced by G.
Protein change: p.Lys42Arg; replaces lysine 42 with arginine.
Molecular consequence: missense variant. On other transcripts: non-coding transcript variant (1).
Genome position (GRCh38, 1-based): chr3:149,221,668, T>C on the plus strand (A>G on the coding strand, the complement: CP is on the minus strand). VCF-style: chr3-149221668-T-C. GRCh37 (hg19) VCF-style: chr3-148939455-T-C.
Other names: short protein forms K42R.
Identifiers: ClinVar variation 343790 (VCV000343790.10), dbSNP rs886058090, ClinGen allele CA10615560.